The following is an entry in ClinVar:

ClinVar aggregate classification (germline): Uncertain significance (1 of 4 stars; one submission).

Conditions:
Immunodeficiency, common variable, 7. Identifiers: Orphanet 1572, Orphanet 696894, MedGen C3542922, MONDO:0013862, OMIM 614699.

Allele frequency attached by ClinVar (database versions not stated): gnomAD exomes below 0.00001.
gnomAD v4.1: 1 of 1,613,886 alleles (0.000062%); highest among the groups gnomAD compares: Non-Finnish European, 0.000085%; no homozygotes.

Submission:

Labcorp Genetics (formerly Invitae), Labcorp
Classification: Uncertain significance for Immunodeficiency, common variable, 7. Last evaluated: 2024-10-24. Review status: criteria provided, single submitter. Criteria: Invitae Variant Classification Sherloc (09022015). Collection method: clinical testing. Allele origin: germline.
Comment: This sequence change replaces proline, which is neutral and non-polar, with serine, which is neutral and polar, at codon 531 of the CR2 protein (p.Pro531Ser). This variant is not present in population databases (gnomAD no frequency). This variant has not been reported in the literature in individuals affected with CR2-related conditions. ClinVar contains an entry for this variant (Variation ID: 1978547). An algorithm developed to predict the effect of missense changes on protein structure and function (PolyPhen-2) suggests that this variant is likely to be disruptive. In summary, the available evidence is currently insufficient to determine the role of this variant in disease. Therefore, it has been classified as a Variant of Uncertain Significance.

NM_001006658.3(CR2):c.1591C>T (p.Pro531Ser)

Gene: CR2 (complement C3d receptor 2; plus strand). Cytogenetic location: 1q32.2.
Variant type: single nucleotide variant.
Coding change: c.1591C>T on transcript NM_001006658.3 (MANE Select); coding-DNA position 1591, C replaced by T.
Protein change: p.Pro531Ser; replaces proline 531 with serine.
Molecular consequence: missense variant.
Genome position (GRCh38, 1-based): chr1:207,472,792, C>T. VCF-style: chr1-207472792-C-T. GRCh37 (hg19) VCF-style: chr1-207646137-C-T.
Other names: c.1591C>T, p.Pro531Ser (NM_001877.5); short protein forms P531S.
Identifiers: ClinVar variation 1978547 (VCV001978547.4), dbSNP rs1658317965, ClinGen allele CA344533526.